The following is an entry in ClinVar:

ClinVar aggregate classification (germline): Pathogenic (1 of 4 stars; one submission).

Conditions:
Polycystic kidney disease 2 (PKD2). Also called: Polycystic Kidney Disease 2, Autosomal Dominant; POLYCYSTIC KIDNEY DISEASE 2 WITH OR WITHOUT POLYCYSTIC LIVER DISEASE; POLYCYSTIC KIDNEY DISEASE, ADULT, TYPE II. Identifiers: MedGen C2751306, MONDO:0013131, OMIM 613095.

Submission:

MVZ Medizinische Genetik Mainz
Classification: Pathogenic for Polycystic kidney disease 2. Last evaluated: 2022-07-29. Review status: criteria provided, single submitter. Criteria: UK Practice Guidelines For Variant Classification V4 01 2020. Collection method: clinical testing. Allele origin: germline. Inheritance: Autosomal dominant inheritance. Affected: yes. Observed: 1 variant allele.
Comment: ACMG Criteria: PVS1, PM2_SUP, PP4 (ACMG Version 4)

NM_000297.4(PKD2):c.548del (p.Gln183fs)

Genes: PKD2 (polycystin 2, transient receptor potential cation channel; plus strand), LOC129992813 (ATAC-STARR-seq lymphoblastoid silent region 15559; plus strand). Cytogenetic location: 4q22.1.
Variant type: Deletion.
Coding change: c.548del on transcript NM_000297.4 (MANE Select); coding-DNA position 548, one base deleted (A; older notation c.548delA).
Protein change: p.Gln183fs; shifts the reading frame from glutamine 183.
Molecular consequence: frameshift variant. On other transcripts: non-coding transcript variant (1).
Genome position (GRCh38, 1-based): chr4:88,008,281, A deleted. VCF-style (leftmost placement, unchanged base first): chr4-88008280-CA-C. GRCh37 (hg19) VCF-style: chr4-88929432-CA-C.
Other names: short protein forms Q183fs.
Identifiers: ClinVar variation 3235228 (VCV003235228.1), dbSNP rs2476358800.